The following is an entry in ClinVar:

ClinVar aggregate classification (germline): Benign/Likely benign. Review status: criteria provided, multiple submitters, no conflicts (2 of 4 stars). 4 submissions from 4 submitters: Benign (1); Likely benign (3). Last evaluated 2026-08-30.

Conditions:
FBN2-related disorder. Also called: FBN2-related condition.
Familial thoracic aortic aneurysm and aortic dissection (TAAD). Also called: Thoracic aortic aneurysms and dissections. Identifiers: Orphanet 91387, MedGen C4707243, MONDO:0019625.
Congenital contractural arachnodactyly (CCA). Also called: BEALS SYNDROME; Beals-Hecht syndrome; Arthrogryposis, distal, type 9. Identifiers: Orphanet 115, MedGen C0220668, MONDO:0007363, OMIM 121050.

Allele frequency attached by ClinVar (database versions not stated): ExAC 0.00002; gnomAD exomes 0.00002 and 0.00005; gnomAD 0.00006; TOPMed 0.00007; ESP Exome Variant Server 0.00008.
gnomAD v4.1: 48 of 1,613,530 alleles (0.003%); highest among the groups gnomAD compares: African/African-American, 0.008%; no homozygotes.

Submissions (4):

PreventionGenetics, part of Exact Sciences
Classification: Likely benign for FBN2-related condition. Last evaluated: 2026-08-30. Review status: criteria provided, single submitter. Criteria: ACMG Guidelines, 2015. Collection method: clinical testing. Allele origin: germline.
Comment: This variant is classified as likely benign based on ACMG/AMP sequence variant interpretation guidelines (Richards et al. 2015 PMID: 25741868, with internal and published modifications).

Labcorp Genetics (formerly Invitae), Labcorp
Classification: Benign for Congenital contractural arachnodactyly. Last evaluated: 2026-01-19. Review status: criteria provided, single submitter. Criteria: Invitae Variant Classification Sherloc (09022015). Collection method: clinical testing. Allele origin: germline.

Ambry Genetics
Classification: Likely benign for Familial thoracic aortic aneurysm and aortic dissection. Last evaluated: 2023-03-07. Review status: criteria provided, single submitter. Criteria: Ambry Variant Classification Scheme 2023. Collection method: clinical testing. Allele origin: germline.

GeneDx
Classification: Likely benign. Last evaluated: 2018-08-01. Review status: criteria provided, single submitter. Criteria: GeneDx Variant Classification Process June 2021. Collection method: clinical testing. Allele origin: germline. Affected: yes.

NM_001999.4(FBN2):c.6573C>T (p.Asp2191=)

Gene: FBN2 (fibrillin 2; minus strand). Cytogenetic location: 5q23.3.
Variant type: single nucleotide variant.
Coding change: c.6573C>T on transcript NM_001999.4 (MANE Select); coding-DNA position 6573, C replaced by T.
Protein change: p.Asp2191=; no amino-acid change (aspartic acid 2191 retained).
Molecular consequence: synonymous variant.
Genome position (GRCh38, 1-based): chr5:128,289,191, G>A on the plus strand (C>T on the coding strand, the complement: FBN2 is on the minus strand). VCF-style: chr5-128289191-G-A. GRCh37 (hg19) VCF-style: chr5-127624883-G-A.
Identifiers: ClinVar variation 385587 (VCV000385587.13), dbSNP rs374456115, ClinGen allele CA3394370.